The following continues an entry in ClinVar:

NM_000492.4(CFTR):c.3808G>A (p.Asp1270Asn)

ClinVar aggregate classification (germline): Conflicting classifications of pathogenicity. Pathogenic (2); Likely pathogenic (3); Uncertain significance (8); Benign (1); Likely benign (4).

Submissions 9 to 20 of 20:

Women's Health and Genetics/Laboratory Corporation of America, LabCorp
Classification: Uncertain significance. Last evaluated: 2023-01-30. Review status: criteria provided, single submitter. Criteria: LabCorp Variant Classification Summary - May 2015. Collection method: clinical testing. Allele origin: germline.
Comment: Variant summary: CFTR c.3808G>A (p.Asp1270Asn) results in a conservative amino acid change located in the ABC transporter-like and AAA+ ATPase domain of the encoded protein sequence. Two of three in-silico tools predict a damaging effect of the variant on protein function. The variant allele was found at a frequency of 0.005 in 170702 control chromosomes (gnomAD v3 database and publications), including 6 homozygotes. This frequency is close to the estimated maximal expected allele frequency for a pathogenic variant in CFTR causing Non-classic Cystic Fibrosis phenotype (0.013). However, this variant is frequently reported in complex (i.e. in cis) with either the c.220C>T (p.Arg74Trp) and/or c.601G>A (p.Val201Met). The first two variants (i.e. R74W and D1270N) were individually found in control databases at very similar frequencies and allele counts (with the same number of homozygotes) in the African subpopulation. Therefore, although it is not possible to confirm that these variants occurred in the same individuals, it is very likely that the majority of the gnomAD (v3) population carried the [R74W;D1270N] complex allele. The variant has been reported in numerous patients with CF, CBAVD, lung cancer, idiopathic chronic pancreatitis, and recurrent respiratory infections without strong evidence for causality (e.g. Alonso_2007, Bombieri_1998, Masson_2013, Mercier_1995, Steiner_2011, Verlingue_1993) and it was determined to co-occur frequently on the same allele with R74W. The variant's complex forms, p.[R74W;D1270N] and p.[R74W;V201M;D1270N], are found in patients with CBAVD phenotype (e.g. Claustres_2000, Clausters_2004, Ratbi_2007, Steiner_2011, Minso_2020, UMD database). The variant in its complex form did not cause CF in females when found in a compound heterozygous state with a disease-causing mutation (Claustres_2000, Verlingue_1993) and similarly, did not cause disease when reported as the single variant in trans with pathogenic mutations in male individuals (Terlizzi_2017). Functional studies showed that this variant was associated with mildly reduced cAMP-activated chloride conductance activity and a slight reduction in the synthesis of mature CFTR protein (Fanen_1999, Terlizzi_2017, Van Goor_2013). One publication states that clinical and functional data "indicate that such mutations are not enough to cause disease" when discussing the variant as a single allele or a complex allele with R74W (Terlizzi_2017). Multiple ClinVar submitters (evaluation after 2014) cite the variant as uncertain significance (n=7), likely benign/benign (n=5), pathogenic/likely pathogenic with varying clinical consequences (n=3). Based on the evidence outlined above, the variant was classified as uncertain significance.

Sema4
Classification: Likely benign for Hereditary pancreatitis. Last evaluated: 2020-12-21. Review status: criteria provided, single submitter. Criteria: Sema4 Curation Guidelines. Collection method: curation. Allele origin: germline.

Baylor Genetics
Classification: Pathogenic for Cystic fibrosis. Last evaluated: 2020-06-20. Review status: criteria provided, single submitter. Criteria: ACMG Guidelines, 2015. Collection method: clinical testing. Allele origin: unknown. Affected: yes. Study: CSER-TexasKidsCanSeq.
Comment: This variant was determined to be pathogenic according to ACMG Guidelines, 2015 [PMID:25741868].

Johns Hopkins Genomics, Johns Hopkins University
Classification: Likely pathogenic for Cystic fibrosis. Last evaluated: 2020-06-11. Review status: criteria provided, single submitter. Criteria: ACMG Guidelines, 2015. Collection method: clinical testing. Allele origin: germline.
Comment: CFTR variant associated with varying clinical consequence. See CFTR2 for phenotype information.

Mendelics
Classification: Likely benign for Cystic fibrosis. Last evaluated: 2019-05-28. Review status: criteria provided, single submitter. Criteria: Mendelics Assertion Criteria 2017. Collection method: clinical testing. Allele origin: unknown.

Laboratory for Molecular Medicine, Mass General Brigham Personalized Medicine
Classification: Likely benign. Last evaluated: 2018-07-18. Review status: criteria provided, single submitter. Criteria: LMM Criteria. Collection method: clinical testing. Allele origin: germline. Observed: 1 variant allele.
Comment: The p.Asp1270Asn variant in CFTR has been reported in isolation or as part of th e p.[Arg74Trp;Asp1270Asn] complex allele in several individuals with CFTR-relate d conditions (Aguiano 1992, Casals 1995, Fanen 1999, Padoa 1999, Ravnik-Glavac 2 000, Luzardo 2002, Girodon 2002, Masson 2013, Sosnay 2013, Terlizzi 2017, Behar 2017). However, it has also been identified in isolation in trans with known pat hogenic CFTR variants in 2 unaffected adult male individuals and as part of the p.[Arg74Trp;Asp1270Asn] allele in trans with a known pathogenic variant in 1 una ffected child (Terlizzi 2017). It has also been identified with the p.Val201Met allele as part of the p.[Arg74Trp;Val201Met;Asp1270Asn] complex allele in severa l individuals with CFTR-related conditions who carried additional pathogenic var iants in CFTR (Claustres 20004, Brugnon 2008, de Prada Merino 2010, Steiner 2011 , Masson 2013, Terlizzi 2017). In addition, the p.Asp1270Asn variant has been identi fied in 1.3% (315/24024) of African chromosomes, including 3 homozygotes, by the Genome Aggregation Database (gnomAD). In sum mary, the p.Asp1270Asn variant in isolation or as part of the p.[Arg74Trp;Asp127 0Asn] complex allele is classified as likely benign based on the high allele fre quency and the presence of this variant in trans with known pathogenic variants in unaffected individuals, though the clinical significance of the p.[Arg74Trp;V al201Met;Asp1270Asn] complex allele is uncertain. ACMG/AMP Criteria applied: BS1 , BP2.

ARUP Laboratories, Molecular Genetics and Genomics, ARUP Laboratories
Classification: Pathogenic for Hereditary pancreatitis. Last evaluated: 2018-05-15. Review status: criteria provided, single submitter. Criteria: ARUP Molecular Germline Variant Investigation Process. Collection method: clinical testing. Allele origin: germline. Inheritance: Autosomal recessive inheritance. Affected: yes.
Comment: The CFTR c.3808G>A, p.Asp1270Asn variant (rs11971167) has been reported in patients diagnosed with congenital bilateral absence of vas deferens (CBAVD), in trans with p.Phe508del (Anguiano 1992, Oates 1993), but is more commonly found in a complex allele (with p.Arg74Trp and p.Val201Met) in patients with CBAVD and pancreatitis (Bareil 2007, Casals 1995, Masson 2013, Steiner 2011). In individuals where the p.Asp1270Asn alone was reported in trans with p.Phe508del, they had normal or slightly elevated sweat chloride levels (Anguiano 1992, Padoa 1999). Functional characterization of the p.Asp1270Asn variant indicates reduced overall mRNA and protein expression (van Goor 2014), reduced chloride conductance (Sosnay 2013, van Goor 2014) and altered response patterns (Fanen 1999). However, protein maturation and glycosylation is comparable to wildtype (Fanen 1999, Sosnay 2013, van Goor 2014). This variant is found in the general population with an overall allele frequency of 0.1% (315/276666 alleles, including 3 homozygotes) in the Genome Aggregation Database. The aspartate at residue 1270 is highly conserved, and computational algorithms ( PolyPhen-2, SIFT) predict that the variant has an impact on the protein. Based on the above information, the variant is classified as very mildly pathogenic.

Eurofins Ntd Llc (ga)
Classification: Uncertain significance. Last evaluated: 2018-05-11. Review status: criteria provided, single submitter. Criteria: EGL ClinVar v180209 classification definitions. Collection method: clinical testing. Allele origin: germline. Observed: 57 variant alleles, 57 heterozygotes.

GeneDx
Classification: Uncertain significance. Last evaluated: 2017-12-05. Review status: criteria provided, single submitter. Criteria: GeneDx Variant Classification (06012015). Collection method: clinical testing. Allele origin: germline. Affected: yes.
Comment: The D1270N variant in the CFTR gene has been reported previously in trans with the common delta F508 pathogenic variant in an individual with normal sweat chloride levels, a normal chest roentgenogram but who had CAVD (Anguiano et al., 1992). Expression studies in HeLa and FRT cells showed that D1270N transfected cells displayed decreased chloride transport activity compared to wild type cells (Fanen et al., 1999; Van Goor et al., 2014). However, D1270N has also been identified unaffected individuals who were compound heterozygous for D1270N and a definitively pathogenic variant (Sugarman et al., 2014). The D1270N variant is a semi-conservative amino acid substitution, which may impact secondary protein structure as these residues differ in some properties. This substitution occurs at a position that is conserved across species. In silico analysis predicts this variant is probably damaging to the protein structure/function. We interpret D1270N as a variant of uncertain significance.

Illumina Laboratory Services, Illumina
Classification: Likely benign for CFTR-Related Disorders. Last evaluated: 2017-04-27. Review status: criteria provided, single submitter. Criteria: ICSL Variant Classification Criteria 13 December 2019. Collection method: clinical testing. Allele origin: germline.
Comment: This variant was observed as part of a predisposition screen in an ostensibly healthy population. A literature search was performed for the gene, cDNA change, and amino acid change (where applicable). Publications were found based on this search. The evidence from the literature, in combination with allele frequency data from public databases where available, was sufficient to determine this variant is unlikely to cause disease. Therefore, this variant is classified as likely benign.

Counsyl
Classification: Uncertain significance for Cystic fibrosis. Last evaluated: 2017-11-19. Review status: no assertion criteria provided. Collection method: clinical testing. Allele origin: unknown. Not counted in ClinVar's aggregate classification.

OMIM
Classification: Pathogenic for VAS DEFERENS, CONGENITAL BILATERAL ABSENCE OF. Last evaluated: 1992-04-01. Review status: no assertion criteria provided. Collection method: literature only. Allele origin: germline. Not counted in ClinVar's aggregate classification.

Literature cited by the submitters: PubMed 26900683 (cited by Quest Diagnostics Nichols Institute San Juan Capistrano); PubMed 27264265 (cited by Quest Diagnostics Nichols Institute San Juan Capistrano); PubMed 26946416 (cited by Quest Diagnostics Nichols Institute San Juan Capistrano); PubMed 28603918 (cited by Quest Diagnostics Nichols Institute San Juan Capistrano); PubMed 29271547 (cited by Quest Diagnostics Nichols Institute San Juan Capistrano); PubMed 29859674 (cited by Quest Diagnostics Nichols Institute San Juan Capistrano); PubMed 30600599 (cited by Quest Diagnostics Nichols Institute San Juan Capistrano).